The following is an entry in ClinVar:

ClinVar aggregate classification (germline): Uncertain significance (1 of 4 stars; one submission).

Conditions:
Renal cell carcinoma. Identifiers: Orphanet 217071, MedGen C0007134, MeSH D002292, MONDO:0005086, HP:0005584.

Submission:

Labcorp Genetics (formerly Invitae), Labcorp
Classification: Uncertain significance for Renal cell carcinoma. Last evaluated: 2024-08-14. Review status: criteria provided, single submitter. Criteria: Invitae Variant Classification Sherloc (09022015). Collection method: clinical testing. Allele origin: germline.
Comment: This sequence change replaces glycine, which is neutral and non-polar, with glutamic acid, which is acidic and polar, at codon 951 of the MET protein (p.Gly951Glu). This variant is not present in population databases (gnomAD no frequency). This variant has not been reported in the literature in individuals affected with MET-related conditions. Invitae Evidence Modeling of protein sequence and biophysical properties (such as structural, functional, and spatial information, amino acid conservation, physicochemical variation, residue mobility, and thermodynamic stability) indicates that this missense variant is expected to disrupt MET protein function with a positive predictive value of 80%. In summary, the available evidence is currently insufficient to determine the role of this variant in disease. Therefore, it has been classified as a Variant of Uncertain Significance.

NM_000245.4(MET):c.2798G>A (p.Gly933Glu)

Gene: MET (MET proto-oncogene, receptor tyrosine kinase; plus strand). Cytogenetic location: 7q31.2.
Variant type: single nucleotide variant.
Coding change: c.2798G>A on transcript NM_000245.4 (MANE Select); coding-DNA position 2798, G replaced by A.
Protein change: p.Gly933Glu; replaces glycine 933 with glutamic acid.
Molecular consequence: missense variant.
Genome position (GRCh38, 1-based): chr7:116,771,565, G>A. VCF-style: chr7-116771565-G-A. GRCh37 (hg19) VCF-style: chr7-116411619-G-A.
Other names: c.2852G>A, p.Gly951Glu (NM_001127500.3); c.1508G>A, p.Gly503Glu (NM_001324402.2); short protein forms G951E, G503E, G933E.
Identifiers: ClinVar variation 3661298 (VCV003661298.2).